The following is an entry in ClinVar:

ClinVar aggregate classification (germline): Uncertain significance (1 of 4 stars; one submission).

Conditions:
Epilepsy, progressive myoclonic, 1B. Also called: PME. Identifiers: Orphanet 308, MedGen C2676254, MONDO:0012904, OMIM 612437.

Allele frequency attached by ClinVar (database versions not stated): gnomAD exomes below 0.00001.
gnomAD v4.1: 3 of 1,614,128 alleles (0.00019%); highest among the groups gnomAD compares: South Asian, 0.0022%; no homozygotes.

Submission:

Labcorp Genetics (formerly Invitae), Labcorp
Classification: Uncertain significance for Epilepsy, progressive myoclonic, 1B. Last evaluated: 2024-11-05. Review status: criteria provided, single submitter. Criteria: Invitae Variant Classification Sherloc (09022015). Collection method: clinical testing. Allele origin: germline.
Comment: This sequence change replaces leucine, which is neutral and non-polar, with valine, which is neutral and non-polar, at codon 805 of the PRICKLE1 protein (p.Leu805Val). This variant is not present in population databases (gnomAD no frequency). This variant has not been reported in the literature in individuals affected with PRICKLE1-related conditions. ClinVar contains an entry for this variant (Variation ID: 1415945). Invitae Evidence Modeling of protein sequence and biophysical properties (such as structural, functional, and spatial information, amino acid conservation, physicochemical variation, residue mobility, and thermodynamic stability) indicates that this missense variant is not expected to disrupt PRICKLE1 protein function with a negative predictive value of 80%. In summary, the available evidence is currently insufficient to determine the role of this variant in disease. Therefore, it has been classified as a Variant of Uncertain Significance.

NM_153026.3(PRICKLE1):c.2413C>G (p.Leu805Val)

Gene: PRICKLE1 (prickle planar cell polarity protein 1; minus strand). Cytogenetic location: 12q12.
Variant type: single nucleotide variant.
Coding change: c.2413C>G on transcript NM_153026.3 (MANE Select); coding-DNA position 2413, C replaced by G.
Protein change: p.Leu805Val; replaces leucine 805 with valine.
Molecular consequence: missense variant.
Genome position (GRCh38, 1-based): chr12:42,459,892, G>C on the plus strand (C>G on the coding strand, the complement: PRICKLE1 is on the minus strand). VCF-style: chr12-42459892-G-C. GRCh37 (hg19) VCF-style: chr12-42853694-G-C.
Other names: c.2413C>G, p.Leu805Val (NM_001144881.2, NM_001144882.2, NM_001144883.2); short protein forms L805V.
Identifiers: ClinVar variation 1415945 (VCV001415945.8), dbSNP rs2140084269, ClinGen allele CA384439527.